The following is an entry in ClinVar:

ClinVar aggregate classification (germline): Conflicting classifications of pathogenicity. Review status: criteria provided, conflicting classifications (1 of 4 stars). 2 submissions from 2 submitters: Uncertain significance (1); Likely benign (1). Last evaluated 2024-09-17.

Conditions:
Tumor predisposition syndrome 3 (TPDS3). Also called: Glioma susceptibility 9; LONG TELOMERE SYNDROME, POT1-RELATED; POT1 Tumor Predisposition; Melanoma, cutaneous malignant, susceptibility to, 10. Identifiers: Orphanet 618, MedGen C4014476, MONDO:0014368, OMIM 615848.
Hereditary cancer-predisposing syndrome. Also called: Neoplastic Syndromes, Hereditary; Tumor predisposition; Hereditary Cancer Syndrome; Hereditary neoplastic syndrome. Identifiers: Orphanet 140162, MedGen C0027672, MeSH D009386, MONDO:0015356.

Allele frequency attached by ClinVar (database versions not stated): gnomAD 0.00001.
gnomAD v4.1: 3 of 1,610,070 alleles (0.00019%); highest among the groups gnomAD compares: Non-Finnish European, 0.000085%; no homozygotes.

Submissions (2):

Labcorp Genetics (formerly Invitae), Labcorp
Classification: Uncertain significance for Tumor predisposition syndrome 3. Last evaluated: 2024-09-17. Review status: criteria provided, single submitter. Criteria: Invitae Variant Classification Sherloc (09022015). Collection method: clinical testing. Allele origin: germline.
Comment: This sequence change affects codon 212 of the POT1 mRNA. It is a 'silent' change, meaning that it does not change the encoded amino acid sequence of the POT1 protein. This variant is present in population databases (no rsID available, gnomAD 0.008%). This variant has not been reported in the literature in individuals affected with POT1-related conditions. Algorithms developed to predict the effect of sequence changes on RNA splicing suggest that this variant may disrupt the consensus splice site. In summary, the available evidence is currently insufficient to determine the role of this variant in disease. Therefore, it has been classified as a Variant of Uncertain Significance.

Ambry Genetics
Classification: Likely benign for Hereditary cancer-predisposing syndrome. Last evaluated: 2023-12-04. Review status: criteria provided, single submitter. Criteria: Ambry Variant Classification Scheme 2023. Collection method: clinical testing. Allele origin: germline.

NM_015450.3(POT1):c.634C>A (p.Arg212=)

Gene: POT1 (protection of telomeres 1; minus strand). Cytogenetic location: 7q31.33.
Variant type: single nucleotide variant.
Coding change: c.634C>A on transcript NM_015450.3 (MANE Select); coding-DNA position 634, C replaced by A.
Protein change: p.Arg212=; no amino-acid change (arginine 212 retained).
Molecular consequence: synonymous variant. On other transcripts: non-coding transcript variant (3).
Genome position (GRCh38, 1-based): chr7:124,859,025, G>T on the plus strand (C>A on the coding strand, the complement: POT1 is on the minus strand). VCF-style: chr7-124859025-G-T. GRCh37 (hg19) VCF-style: chr7-124499079-G-T.
Other names: c.241C>A, p.Arg81= (NM_001042594.2).
Identifiers: ClinVar variation 3226686 (VCV003226686.3), dbSNP rs1444551164, ClinGen allele CA457468866.